The following is an entry in ClinVar:

NM_000256.3(MYBPC3):c.3726del (p.Lys1242fs)

Gene: MYBPC3 (myosin binding protein C3; minus strand). Cytogenetic location: 11p11.2.
Variant type: Deletion.
Coding change: c.3726del on transcript NM_000256.3 (MANE Select); coding-DNA position 3726, one base deleted (G; older notation c.3726delG).
Protein change: p.Lys1242fs; shifts the reading frame from lysine 1242.
Molecular consequence: frameshift variant.
Genome position (GRCh38, 1-based): chr11:47,332,160, C deleted on the plus strand (G on the coding strand, the reverse complement: MYBPC3 is on the minus strand). VCF-style (leftmost placement, unchanged base first): chr11-47332159-GC-G. GRCh37 (hg19) VCF-style: chr11-47353710-GC-G.
Other names: c.3726delG (NM_000256.3); c.3726del, p.Lys1242fs (LRG_386t1); short protein forms K1242fs.
Identifiers: ClinVar variation 423106 (VCV000423106.11), dbSNP rs1064796231, ClinGen allele CA16619331.

ClinVar aggregate classification (germline): Pathogenic/Likely pathogenic. Review status: criteria provided, multiple submitters, no conflicts (2 of 4 stars). 2 submissions from 2 submitters: Pathogenic (1); Likely pathogenic (1). Last evaluated 2025-12-01.

Conditions:
Hypertrophic cardiomyopathy. Also called: HYPERTROPHIC MYOCARDIOPATHY. Identifiers: Orphanet 217569, MedGen C0007194, MeSH D002312, MONDO:0005045, HP:0001639.

Submissions (2):

Labcorp Genetics (formerly Invitae), Labcorp
Classification: Pathogenic for Hypertrophic cardiomyopathy. Last evaluated: 2025-12-01. Review status: criteria provided, single submitter. Criteria: Invitae Variant Classification Sherloc (09022015). Collection method: clinical testing. Allele origin: germline.
Comment: This sequence change is expected to alter the c-terminus of the MYBPC3 protein (p.Lys1242Asnfs*89). While this is not anticipated to result in nonsense mediated decay, it is expected to disrupt the last 33 amino acid(s) of the MYBPC3 protein and extend the protein by 55 additional amino acid residues. This variant is not present in population databases (gnomAD no frequency). This variant has not been reported in the literature in individuals affected with MYBPC3-related conditions. ClinVar contains an entry for this variant (Variation ID: 423106). Algorithms developed to predict the effect of sequence changes on RNA splicing suggest that this variant may disrupt the consensus splice site. This variant disrupts a region of the MYBPC3 protein in which other variant(s) (p.Arg1271*) have been determined to be pathogenic (PMID: 18533079, 19574547, 23396983, 27532257; internal data). This suggests that this is a clinically significant region of the protein, and that variants that disrupt it are likely to be disease-causing. For these reasons, this variant has been classified as Pathogenic.

GeneDx
Classification: Likely pathogenic. Last evaluated: 2017-01-25. Review status: criteria provided, single submitter. Criteria: GeneDx Variant Classification (06012015). Collection method: clinical testing. Allele origin: germline. Affected: yes.
Comment: A likely pathogenic variant has been identified in the MYBPC3 gene. The c.3726delG variant has not been published as pathogenic or been reported as benign to our knowledge. This variant is not observed in large population cohorts (Lek et al., 2016; Exome Variant Server). The c.3726delG variant causes a shift in reading frame starting at codon lysine 1242, changing it to an asparagine, and creating a premature stop codon at position 89 of the new reading frame, denoted p.Lys1242AsnfsX89. Other frameshift variants in the MYBPC3 gene, including several at the same stop codon, have been reported in Human Gene Mutation Database in association with cardiomyopathy (Stenson et al., 2014), indicating that loss of function is a mechanism of disease for this gene. However, this variant results in the last 22 amino acids being replaced with 89 different amino acids and is not is expected to result in either an abnormal, truncated protein product or loss of protein from this allele through nonsense-mediated mRNA decay.

Literature cited by the submitters: PubMed 18533079 (cited by Labcorp Genetics (formerly Invitae), Labcorp); PubMed 19574547 (cited by Labcorp Genetics (formerly Invitae), Labcorp); PubMed 23396983 (cited by Labcorp Genetics (formerly Invitae), Labcorp); PubMed 27532257 (cited by Labcorp Genetics (formerly Invitae), Labcorp).